The following is an entry in ClinVar:

ClinVar aggregate classification (germline): Uncertain significance (1 of 4 stars; one submission).

Conditions:
Gastrointestinal stromal tumor. Also called: Gastrointestinal stromal tumor, somatic; Gastrointestinal stroma tumor. Identifiers: Orphanet 44890, MedGen C0238198, MeSH D046152, MONDO:0011719, OMIM 606764, HP:0100723.

Allele frequency attached by ClinVar (database versions not stated): gnomAD exomes below 0.00001.

Submission:

Labcorp Genetics (formerly Invitae), Labcorp
Classification: Uncertain significance for Gastrointestinal stromal tumor. Last evaluated: 2022-10-04. Review status: criteria provided, single submitter. Criteria: Invitae Variant Classification Sherloc (09022015). Collection method: clinical testing. Allele origin: germline.
Comment: In summary, the available evidence is currently insufficient to determine the role of this variant in disease. Therefore, it has been classified as a Variant of Uncertain Significance. ClinVar contains an entry for this variant (Variation ID: 998583). Advanced modeling of protein sequence and biophysical properties (such as structural, functional, and spatial information, amino acid conservation, physicochemical variation, residue mobility, and thermodynamic stability) has been performed at Invitae for this missense variant, however the output from this modeling did not meet the statistical confidence thresholds required to predict the impact of this variant on PDGFRA protein function. This variant has not been reported in the literature in individuals affected with PDGFRA-related conditions. This variant is not present in population databases (gnomAD no frequency). This sequence change replaces glycine, which is neutral and non-polar, with arginine, which is basic and polar, at codon 228 of the PDGFRA protein (p.Gly228Arg).

NM_006206.6(PDGFRA):c.682G>A (p.Gly228Arg)

Gene: PDGFRA (platelet derived growth factor receptor alpha; plus strand). Cytogenetic location: 4q12.
Variant type: single nucleotide variant.
Coding change: c.682G>A on transcript NM_006206.6 (MANE Select); coding-DNA position 682, G replaced by A.
Protein change: p.Gly228Arg; replaces glycine 228 with arginine.
Molecular consequence: missense variant.
Genome position (GRCh38, 1-based): chr4:54,264,972, G>A. VCF-style: chr4-54264972-G-A. GRCh37 (hg19) VCF-style: chr4-55131139-G-A.
Other names: c.682G>A, p.Gly228Arg (NM_001347827.2, NM_001347829.2); c.757G>A, p.Gly253Arg (NM_001347828.2); c.721G>A, p.Gly241Arg (NM_001347830.2); short protein forms G228R, G241R, G253R.
Identifiers: ClinVar variation 998583 (VCV000998583.7), dbSNP rs1722954202, ClinGen allele CA356890865.